The following is an entry in ClinVar:

NM_004655.4(AXIN2):c.1929C>T (p.Ala643=)

Gene: AXIN2 (axin 2; minus strand). Cytogenetic location: 17q24.1.
Variant type: single nucleotide variant.
Coding change: c.1929C>T on transcript NM_004655.4 (MANE Select); coding-DNA position 1929, C replaced by T.
Protein change: p.Ala643=; no amino-acid change (alanine 643 retained).
Molecular consequence: synonymous variant.
Genome position (GRCh38, 1-based): chr17:65,536,532, G>A on the plus strand (C>T on the coding strand, the complement: AXIN2 is on the minus strand). VCF-style: chr17-65536532-G-A. GRCh37 (hg19) VCF-style: chr17-63532650-G-A.
Other names: c.1734C>T, p.Ala578= (NM_001363813.1); c.1929C>T (LRG_296t1).
Identifiers: ClinVar variation 415245 (VCV000415245.17), dbSNP rs780233103, ClinGen allele CA8718453.

ClinVar aggregate classification (germline): Benign/Likely benign. Review status: criteria provided, multiple submitters, no conflicts (2 of 4 stars). 5 submissions from 5 submitters: Benign (1); Likely benign (3). 1 of the submissions does not count toward it. Last evaluated 2025-11-23.

Conditions:
Hereditary cancer-predisposing syndrome. Also called: Tumor predisposition; Neoplastic Syndromes, Hereditary; Hereditary neoplastic syndrome; Hereditary Cancer Syndrome. Identifiers: Orphanet 140162, MedGen C0027672, MeSH D009386, MONDO:0015356.
AXIN2-related disorder.
Oligodontia-cancer predisposition syndrome. Also called: TOOTH AGENESIS-COLORECTAL CANCER SYNDROME. Identifiers: Orphanet 300576, MedGen C1837750, MONDO:0012075, OMIM 608615. Disease mechanism: loss of function.

Allele frequency attached by ClinVar (database versions not stated): gnomAD exomes below 0.00001 and 0.00001; gnomAD 0.00001; TOPMed 0.00001; ExAC 0.00003.
gnomAD v4.1: 8 of 1,613,734 alleles (0.0005%); highest among the groups gnomAD compares: African/African-American, 0.0027%; no homozygotes.

Submissions (5):

Labcorp Genetics (formerly Invitae), Labcorp
Classification: Likely benign for Oligodontia-cancer predisposition syndrome. Last evaluated: 2025-11-23. Review status: criteria provided, single submitter. Criteria: Invitae Variant Classification Sherloc (09022015). Collection method: clinical testing. Allele origin: germline.

Myriad Genetics, Inc.
Classification: Benign for Oligodontia-cancer predisposition syndrome. Last evaluated: 2024-07-09. Review status: criteria provided, single submitter. Criteria: Myriad Autosomal Dominant, Autosomal Recessive and X-Linked Classification Criteria (2023). Collection method: clinical testing. Allele origin: unknown.
Comment: This variant is considered benign. This variant is a silent/synonymous amino acid change and it is not expected to impact splicing.

Sema4
Classification: Likely benign for Hereditary cancer-predisposing syndrome. Last evaluated: 2021-06-12. Review status: criteria provided, single submitter. Criteria: Sema4 Curation Guidelines. Collection method: curation. Allele origin: germline.

Ambry Genetics
Classification: Likely benign for Hereditary cancer-predisposing syndrome. Last evaluated: 2020-09-02. Review status: criteria provided, single submitter. Criteria: Ambry Variant Classification Scheme 2023. Collection method: clinical testing. Allele origin: germline.

PreventionGenetics, part of Exact Sciences
Classification: Likely benign for AXIN2-related condition. Last evaluated: 2023-05-04. Review status: no assertion criteria provided. Collection method: clinical testing. Allele origin: germline. Not counted in ClinVar's aggregate classification.
Comment: This variant is classified as likely benign based on ACMG/AMP sequence variant interpretation guidelines (Richards et al. 2015 PMID: 25741868, with internal and published modifications).